The following is an entry in ClinVar:

ClinVar aggregate classification (germline): Benign (1 of 4 stars; one submission).

Allele frequency attached by ClinVar (database versions not stated): gnomAD 0.09730 and 0.10007; TOPMed 0.10448; 1000 Genomes Project 0.12440.

Submission:

GeneDx
Classification: Benign. Last evaluated: 2018-06-14. Review status: criteria provided, single submitter. Criteria: GeneDx Variant Classification (06012015). Collection method: clinical testing. Allele origin: germline. Affected: yes.
Comment: This variant is considered likely benign or benign based on one or more of the following criteria: it is a conservative change, it occurs at a poorly conserved position in the protein, it is predicted to be benign by multiple in silico algorithms, and/or has population frequency not consistent with disease.

NM_182961.4(SYNE1):c.16236+240_16236+241insT

Gene: SYNE1 (spectrin repeat containing nuclear envelope protein 1; minus strand). Cytogenetic location: 6q25.2.
Variant type: Insertion.
Coding change: c.16236+240_16236+241insT on transcript NM_182961.4 (MANE Select); bases 240 to 241 of the intron after coding-DNA position 16236, T inserted.
Molecular consequence: intron variant.
Genome position: GRCh38 VCF-style: chr6-152320997-C-CA. GRCh37 (hg19) VCF-style: chr6-152642132-C-CA.
Other names: c.16023+240_16023+241insT (NM_033071.5).
Identifiers: ClinVar variation 677447 (VCV000677447.1), dbSNP rs57868516, ClinGen allele CA150213618.